The following is an entry in ClinVar:

ClinVar aggregate classification (germline): Likely benign. Review status: criteria provided, multiple submitters, no conflicts (2 of 4 stars). 4 submissions from 4 submitters: Likely benign (4). Last evaluated 2022-05-31.

Conditions:
Cardiovascular phenotype. Identifiers: MedGen CN230736.
Myofibrillar myopathy 4. Also called: Zaspopathy (type). Identifiers: Orphanet 98912, MedGen C4721886, MONDO:0012277, OMIM 609452.
Cardiomyopathy (CMYO). Also called: Cardiomyopathies. Identifiers: Orphanet 167848, MedGen C0878544, MONDO:0004994, HP:0001638. Inheritance: Various modes of inheritance.

Allele frequency attached by ClinVar (database versions not stated): gnomAD exomes below 0.00001; gnomAD 0.00001; TOPMed 0.00001.
gnomAD v4.1: 2 of 1,613,024 alleles (0.00012%); highest among the groups gnomAD compares: Non-Finnish European, 0.00017%; no homozygotes.

Submissions (4):

Labcorp Genetics (formerly Invitae), Labcorp
Classification: Likely benign for Myofibrillar myopathy 4. Last evaluated: 2022-05-31. Review status: criteria provided, single submitter. Criteria: Invitae Variant Classification Sherloc (09022015). Collection method: clinical testing. Allele origin: germline.

CHEO Genetics Diagnostic Laboratory, Children's Hospital of Eastern Ontario
Classification: Likely benign for Cardiomyopathy. Last evaluated: 2020-06-01. Review status: criteria provided, single submitter. Criteria: ACMG Guidelines, 2015. Collection method: clinical testing. Allele origin: germline.

Ambry Genetics
Classification: Likely benign for Cardiovascular phenotype. Last evaluated: 2019-10-20. Review status: criteria provided, single submitter. Criteria: Ambry Variant Classification Scheme 2023. Collection method: clinical testing. Allele origin: germline.

GeneDx
Classification: Likely benign. Last evaluated: 2017-09-12. Review status: criteria provided, single submitter. Criteria: GeneDx Variant Classification (06012015). Collection method: clinical testing. Allele origin: germline. Affected: yes.
Comment: This variant is considered likely benign or benign based on one or more of the following criteria: it is a conservative change, it occurs at a poorly conserved position in the protein, it is predicted to be benign by multiple in silico algorithms, and/or has population frequency not consistent with disease.

NM_007078.3(LDB3):c.540A>G (p.Leu180=)

Gene: LDB3 (LIM domain binding 3; plus strand). Cytogenetic location: 10q23.2.
Variant type: single nucleotide variant.
Coding change: c.540A>G on transcript NM_007078.3 (MANE Select); coding-DNA position 540, A replaced by G.
Protein change: p.Leu180=; no amino-acid change (leucine 180 retained).
Molecular consequence: synonymous variant. On other transcripts: intron variant (5).
Genome position (GRCh38, 1-based): chr10:86,681,654, A>G. VCF-style: chr10-86681654-A-G. GRCh37 (hg19) VCF-style: chr10-88441411-A-G.
Other names: c.540A>G, p.Leu180= (NM_001080115.2, NM_001171610.2, NM_001171611.2 and 3 more transcripts); c.321+1497A>G (NM_001368068.1, NM_001368066.1, NM_001080114.2 and 2 more transcripts).
Identifiers: ClinVar variation 511907 (VCV000511907.10), dbSNP rs1283051092, ClinGen allele CA470374169.
Genomic context (GRCh38, chr10:86,681,654, plus strand): 5'-CCCTGGCCCTCCGCGGGCCAGCCTGAGGGCCAAGACCAGCCCAGAGGGGGCCCGGGACCT[A>G]CTCGGCCCAAAAGCCCTGCCGGGCTCGAGCCAGCCGAGGCAATATAACAACCCCATTGGC-3'
Protein context (NP_009009.1, residues 170-190): AKTSPEGARD[Leu180=]LGPKALPGSS